The following is an entry in ClinVar:

ClinVar aggregate classification (germline): Uncertain significance (1 of 4 stars; one submission).

Conditions:
Inborn genetic diseases. Identifiers: MedGen C0950123, MeSH D030342.

Submission:

Ambry Genetics
Classification: Uncertain significance for Inborn genetic diseases. Last evaluated: 2023-06-08. Review status: criteria provided, single submitter. Criteria: Ambry Variant Classification Scheme 2023. Collection method: clinical testing. Allele origin: germline.
Comment: The p.T113N variant (also known as c.338C>A), located in coding exon 4 of the ATR gene, results from a C to A substitution at nucleotide position 338. The threonine at codon 113 is replaced by asparagine, an amino acid with similar properties. This amino acid position is conserved. In addition, this alteration is predicted to be tolerated by in silico analysis. Since supporting evidence is limited at this time, the clinical significance of this alteration remains unclear.

NM_001184.4(ATR):c.338C>A (p.Thr113Asn)

Gene: ATR (ATR checkpoint kinase; minus strand). Cytogenetic location: 3q23.
Variant type: single nucleotide variant.
Coding change: c.338C>A on transcript NM_001184.4 (MANE Select); coding-DNA position 338, C replaced by A.
Protein change: p.Thr113Asn; replaces threonine 113 with asparagine.
Molecular consequence: missense variant.
Genome position (GRCh38, 1-based): chr3:142,563,064, G>T on the plus strand (C>A on the coding strand, the complement: ATR is on the minus strand). VCF-style: chr3-142563064-G-T. GRCh37 (hg19) VCF-style: chr3-142281906-G-T.
Other names: c.338C>A, p.Thr113Asn (NM_001354579.2); short protein forms T113N.
Identifiers: ClinVar variation 2567848 (VCV002567848.2), dbSNP rs2108488809, ClinGen allele CA354827386.